The following is an entry in ClinVar:

ClinVar aggregate classification (germline): Uncertain significance (1 of 4 stars; one submission).

Submission:

ARUP Laboratories, Molecular Genetics and Genomics, ARUP Laboratories
Classification: Uncertain significance. Last evaluated: 2020-04-06. Review status: criteria provided, single submitter. Criteria: ARUP Molecular Germline Variant Investigation Process. Collection method: clinical testing. Allele origin: germline.
Comment: The Hb Shaare Zedek variant (HBA2: c.169A>G; p.Lys57Glu, also known as Lys56Glu when numbered from the mature protein, rs281864842) is reported in the literature in an anemic individual but also in several apparently normal relatives (Abramov 1980, HbVar database). This variant is absent from general population databases (Exome Variant Server, Genome Aggregation Database), indicating it is not a common polymorphism. The lysine at codon 57 is moderately conserved and computational analyses (SIFT: damaging, PolyPhen-2: benign) predict conflicting effects of this variant on protein structure/function. However, due to limited information, the clinical significance of the Hb Shaare Zedek variant is uncertain at this time. References: HbVar link to Hb Shaare Zedek: Abramov A et al. Hb Shaare Zedek (alpha 56 E5 Lys leads to Glu). FEBS Lett. 1980 May 5;113(2):235-7.

NM_000517.6(HBA2):c.169A>G (p.Lys57Glu)

Genes: HBA2 (hemoglobin subunit alpha 2; plus strand), LOC106804612 (hemoglobin subunit alpha 2 recombination region; plus strand). Cytogenetic location: 16p13.3.
Variant type: single nucleotide variant.
Coding change: c.169A>G on transcript NM_000517.6 (MANE Select); coding-DNA position 169, A replaced by G.
Protein change: p.Lys57Glu; replaces lysine 57 with glutamic acid.
Molecular consequence: missense variant.
Genome position (GRCh38, 1-based): chr16:173,198, A>G. VCF-style: chr16-173198-A-G. GRCh37 (hg19) VCF-style: chr16-223197-A-G.
Other names: short protein forms K57E.
Identifiers: ClinVar variation 994322 (VCV000994322.8), dbSNP rs281864842, ClinGen allele CA276414694.